The following is an entry in ClinVar:

NM_001080.3(ALDH5A1):c.130C>G (p.Leu44Val)

Genes: ALDH5A1 (aldehyde dehydrogenase 5 family member A1; plus strand), GPLD1 (glycosylphosphatidylinositol specific phospholipase D1; minus strand), LOC129995978 (ATAC-STARR-seq lymphoblastoid silent region 16989; plus strand). Cytogenetic location: 6p22.3.
Variant type: single nucleotide variant.
Coding change: c.130C>G on transcript NM_001080.3 (MANE Select); coding-DNA position 130, C replaced by G.
Protein change: p.Leu44Val; replaces leucine 44 with valine.
Molecular consequence: missense variant.
Genome position (GRCh38, 1-based): chr6:24,495,126, C>G. VCF-style: chr6-24495126-C-G. GRCh37 (hg19) VCF-style: chr6-24495354-C-G.
Other names: p.Leu44Val; c.130C>G, p.Leu44Val (NM_001368954.1, NM_170740.1); short protein forms L44V.
Identifiers: ClinVar variation 356126 (VCV000356126.23), dbSNP rs185042766, ClinGen allele CA3656574.
Genomic context (GRCh38, chr6:24,495,126, plus strand): 5'-CTCCGCCCCCGCGCCGGCGGCCTGGTCCCTGCCTCCGGGCCTGCGCCCGGCCCGGCCCAG[C>G]TCCGCTGCTACGCTGGGCGCCTGGCGGGCCTCTCTGCGGCGCTGCTGCGCACCGACAGCT-3'
Protein context (NP_001071.1, residues 34-54): ASGPAPGPAQ[Leu44Val]RCYAGRLAGL

ClinVar aggregate classification (germline): Benign/Likely benign. Review status: criteria provided, multiple submitters, no conflicts (2 of 4 stars). 8 submissions from 8 submitters: Benign (1); Likely benign (6). 1 of the submissions does not count toward it. Last evaluated 2026-02-02.

Conditions:
ALDH5A1-related disorder. Also called: ALDH5A1-related condition.
Succinate-semialdehyde dehydrogenase deficiency (SSADHD). Also called: GABA METABOLIC DEFECT; SSADH DEFICIENCY; 4-HYDROXYBUTYRIC ACIDURIA; Succinic Semialdehyde Dehydrogenase Deficiency. Identifiers: Orphanet 22, MedGen C0268631, MONDO:0010083, OMIM 271980.

Allele frequency attached by ClinVar (database versions not stated): gnomAD exomes 0.00047; ExAC 0.00082; gnomAD 0.00250 and 0.00257; TOPMed 0.00295; 1000 Genomes Project 0.00339; 1000 Genomes Project 30x 0.00359.
gnomAD v4.1: 659 of 1,382,708 alleles (0.048%); highest among the groups gnomAD compares: African/African-American, 0.87%; 3 homozygotes.

Submissions (8):

Labcorp Genetics (formerly Invitae), Labcorp
Classification: Likely benign for Succinate-semialdehyde dehydrogenase deficiency. Last evaluated: 2026-02-02. Review status: criteria provided, single submitter. Criteria: Invitae Variant Classification Sherloc (09022015). Collection method: clinical testing. Allele origin: germline.

Mayo Clinic Laboratories, Mayo Clinic
Classification: Likely benign. Last evaluated: 2025-03-24. Review status: criteria provided, single submitter. Criteria: ACMG Guidelines, 2015. Collection method: clinical testing. Allele origin: germline. Observed: 2 variant alleles.
Comment: BS1, BP4_moderate

Blueprint Genetics
Classification: Likely benign. Last evaluated: 2024-09-13. Review status: criteria provided, single submitter. Criteria: ACMG Guidelines, 2015. Collection method: clinical testing. Allele origin: germline.

GeneDx
Classification: Likely benign. Last evaluated: 2020-12-04. Review status: criteria provided, single submitter. Criteria: GeneDx Variant Classification Process June 2021. Collection method: clinical testing. Allele origin: germline. Affected: yes.

Illumina Laboratory Services, Illumina
Classification: Likely benign for Succinate-semialdehyde dehydrogenase deficiency. Last evaluated: 2018-01-12. Review status: criteria provided, single submitter. Criteria: ICSL Variant Classification Criteria 13 December 2019. Collection method: clinical testing. Allele origin: germline.
Comment: This variant was observed in the ICSL laboratory as part of a predisposition screen in an ostensibly healthy population. It had not been previously curated by ICSL or reported in the Human Gene Mutation Database (HGMD: prior to June 1st, 2018), and was therefore a candidate for classification through an automated scoring system. Utilizing variant allele frequency, disease prevalence and penetrance estimates, and inheritance mode, an automated score was calculated to assess if this variant is too frequent to cause the disease. Based on the score and internal cut-off values, a variant classified as likely benign is not then subjected to further curation. The score for this variant resulted in a classification of likely benign for this disease.

Center for Pediatric Genomic Medicine, Children's Mercy Hospital and Clinics
Classification: Benign. Last evaluated: 2017-02-23. Review status: criteria provided, single submitter. Criteria: ACMG Guidelines, 2015. Collection method: clinical testing. Allele origin: germline.

Breakthrough Genomics
Classification: Likely benign. Review status: criteria provided, single submitter. Criteria: ACMG Guidelines, 2015. Collection method: not provided. Allele origin: germline. Inheritance: Autosomal recessive inheritance. Affected: yes.

PreventionGenetics, part of Exact Sciences
Classification: Likely benign for ALDH5A1-related condition. Last evaluated: 2019-11-26. Review status: no assertion criteria provided. Collection method: clinical testing. Allele origin: germline. Not counted in ClinVar's aggregate classification.
Comment: This variant is classified as likely benign based on ACMG/AMP sequence variant interpretation guidelines (Richards et al. 2015 PMID: 25741868, with internal and published modifications).